The following is an entry in ClinVar:

ClinVar aggregate classification (germline): Benign. Review status: criteria provided, single submitter (1 of 4 stars). 2 submissions from 2 submitters: Benign (1). 1 of the submissions does not count toward it. Last evaluated 2018-02-09.

Conditions:
MBD6-related disorder. Also called: MBD6-related condition.

Allele frequency attached by ClinVar (database versions not stated): gnomAD exomes 0.00012 and 0.00028; ExAC 0.00034; 1000 Genomes Project 0.00080; ESP Exome Variant Server 0.00092; 1000 Genomes Project 30x 0.00094; gnomAD 0.00106 and 0.00114; TOPMed 0.00136.
gnomAD v4.1: 328 of 1,614,014 alleles (0.02%); highest among the groups gnomAD compares: African/African-American, 0.41%; 1 homozygote.

Submissions (2):

Labcorp Genetics (formerly Invitae), Labcorp
Classification: Benign. Last evaluated: 2018-02-09. Review status: criteria provided, single submitter. Criteria: Invitae Variant Classification Sherloc (09022015). Collection method: clinical testing. Allele origin: germline.

PreventionGenetics, part of Exact Sciences
Classification: Likely benign for MBD6-related condition. Last evaluated: 2019-08-13. Review status: no assertion criteria provided. Collection method: clinical testing. Allele origin: germline. Not counted in ClinVar's aggregate classification.
Comment: This variant is classified as likely benign based on ACMG/AMP sequence variant interpretation guidelines (Richards et al. 2015 PMID: 25741868, with internal and published modifications).

NM_052897.4(MBD6):c.2083-6T>C

Gene: MBD6 (methyl-CpG binding domain protein 6; plus strand). Cytogenetic location: 12q13.3.
Variant type: single nucleotide variant.
Coding change: c.2083-6T>C on transcript NM_052897.4 (MANE Select); 6 bases into the intron before coding-DNA position 2083, T replaced by C.
Molecular consequence: intron variant.
Genome position (GRCh38, 1-based): chr12:57,527,501, T>C. VCF-style: chr12-57527501-T-C. GRCh37 (hg19) VCF-style: chr12-57921284-T-C.
Identifiers: ClinVar variation 730010 (VCV000730010.5), dbSNP rs181648647, ClinGen allele CA6651628.